The following is an entry in ClinVar:

NM_001281740.3(FHOD3):c.2260G>A (p.Glu754Lys)

Gene: FHOD3 (formin homology 2 domain containing 3; plus strand). Cytogenetic location: 18q12.2.
Variant type: single nucleotide variant.
Coding change: c.2260G>A on transcript NM_001281740.3 (MANE Select); coding-DNA position 2260, G replaced by A.
Protein change: p.Glu754Lys; replaces glutamic acid 754 with lysine.
Molecular consequence: missense variant.
Genome position (GRCh38, 1-based): chr18:36,709,118, G>A. VCF-style: chr18-36709118-G-A. GRCh37 (hg19) VCF-style: chr18-34289081-G-A.
Other names: c.1684G>A, p.Glu562Lys (NM_001281739.3); c.1735G>A, p.Glu579Lys (NM_025135.5); short protein forms E562K, E579K, E754K.
Identifiers: ClinVar variation 3046128 (VCV003046128.4), dbSNP rs139884505, ClinGen allele CA8941831.

ClinVar aggregate classification (germline): Likely benign. Review status: criteria provided, multiple submitters, no conflicts (2 of 4 stars). 3 submissions from 3 submitters: Likely benign (2). 1 of the submissions does not count toward it. Last evaluated 2025-04-09.

Conditions:
FHOD3-related disorder. Also called: FHOD3-related condition.

Allele frequency attached by ClinVar (database versions not stated): ESP Exome Variant Server 0.00092; 1000 Genomes Project 30x 0.00094; 1000 Genomes Project 0.00100; gnomAD 0.00113; ExAC 0.00128.
gnomAD v4.1: 1,630 of 1,613,276 alleles (0.1%); highest among the groups gnomAD compares: Non-Finnish European, 0.1%; 1 homozygote.

Submissions (3):

Molecular Diagnostic Laboratory for Inherited Cardiovascular Disease, Montreal Heart Institute
Classification: Likely benign. Last evaluated: 2025-04-09. Review status: criteria provided, single submitter. Criteria: ACMG Guidelines, 2015. Collection method: clinical testing. Allele origin: germline. Affected: no.

Blueprint Genetics
Classification: Likely benign. Last evaluated: 2024-10-22. Review status: criteria provided, single submitter. Criteria: ACMG Guidelines, 2015. Collection method: clinical testing. Allele origin: germline.

PreventionGenetics, part of Exact Sciences
Classification: Likely benign for FHOD3-related condition. Last evaluated: 2023-02-16. Review status: no assertion criteria provided. Collection method: clinical testing. Allele origin: germline. Not counted in ClinVar's aggregate classification.
Comment: This variant is classified as likely benign based on ACMG/AMP sequence variant interpretation guidelines (Richards et al. 2015 PMID: 25741868, with internal and published modifications).